The following is an entry in ClinVar:

ClinVar aggregate classification (germline): Uncertain significance. Review status: criteria provided, multiple submitters, no conflicts (2 of 4 stars). 6 submissions from 6 submitters: Uncertain significance (6). Last evaluated 2025-05-05.

Conditions:
MIRAGE syndrome. Also called: MYELODYSPLASIA, INFECTION, RESTRICTION OF GROWTH, ADRENAL HYPOPLASIA, GENITAL PHENOTYPES, AND ENTEROPATHY. Identifiers: Orphanet 494433, MedGen C4284088, MONDO:0014888, OMIM 617053.
Inborn genetic diseases. Identifiers: MedGen C0950123, MeSH D030342.

Allele frequency attached by ClinVar (database versions not stated): TOPMed 0.00002; gnomAD 0.00003 and 0.00004; gnomAD exomes 0.00003; ExAC 0.00004.

Submissions (6):

GeneDx
Classification: Uncertain significance. Last evaluated: 2025-05-05. Review status: criteria provided, single submitter. Criteria: GeneDx Variant Classification Process June 2021. Collection method: clinical testing. Allele origin: germline.
Comment: In silico analysis supports that this missense variant has a deleterious effect on protein structure/function; Has not been previously published as pathogenic or benign to our knowledge

Labcorp Genetics (formerly Invitae), Labcorp
Classification: Uncertain significance. Last evaluated: 2024-11-27. Review status: criteria provided, single submitter. Criteria: Invitae Variant Classification Sherloc (09022015). Collection method: clinical testing. Allele origin: germline.
Comment: This sequence change replaces tryptophan, which is neutral and slightly polar, with arginine, which is basic and polar, at codon 691 of the SAMD9 protein (p.Trp691Arg). This variant is present in population databases (rs756922616, gnomAD 0.007%). This variant has not been reported in the literature in individuals affected with SAMD9-related conditions. ClinVar contains an entry for this variant (Variation ID: 1320287). Invitae Evidence Modeling of protein sequence and biophysical properties (such as structural, functional, and spatial information, amino acid conservation, physicochemical variation, residue mobility, and thermodynamic stability) has been performed for this missense variant. However, the output from this modeling did not meet the statistical confidence thresholds required to predict the impact of this variant on SAMD9 protein function. In summary, the available evidence is currently insufficient to determine the role of this variant in disease. Therefore, it has been classified as a Variant of Uncertain Significance.

Ambry Genetics
Classification: Uncertain significance for Inborn genetic diseases. Last evaluated: 2024-11-22. Review status: criteria provided, single submitter. Criteria: Ambry Variant Classification Scheme 2023. Collection method: clinical testing. Allele origin: germline.
Comment: The p.W691R variant (also known as c.2071T>C), located in coding exon 1 of the SAMD9 gene, results from a T to C substitution at nucleotide position 2071. The tryptophan at codon 691 is replaced by arginine, an amino acid with dissimilar properties. This amino acid position is conserved. In addition, this alteration is predicted to be deleterious by in silico analysis. Based on the available evidence, the clinical significance of this variant remains unclear.

Blueprint Genetics
Classification: Uncertain significance. Last evaluated: 2024-05-14. Review status: criteria provided, single submitter. Criteria: ACMG Guidelines, 2015. Collection method: clinical testing. Allele origin: germline.

St. Jude Molecular Pathology, St. Jude Children's Research Hospital
Classification: Uncertain significance for MIRAGE syndrome. Last evaluated: 2021-09-09. Review status: criteria provided, single submitter. Criteria: St. Jude Assertion Criteria 2020. Collection method: clinical testing. Allele origin: germline.
Comment: The SAMD9 c.2071T>C (p.Trp691Arg) missense change has a maximum subpopulation frequency of 0.0062% in gnomAD v2.1.1. Six of seven in silico tools predict a deleterious effect of this variant on protein function (PP3), but to our knowledge these predictions have not been confirmed by functional assays. To our knowledge, this variant has not been reported in individuals with SAMD9-associated conditions. In summary, this variant meets criteria to be classified as of uncertain significance based on the ACMG/AMP criteria: PP3.

Breakthrough Genomics
Classification: Uncertain significance. Review status: criteria provided, single submitter. Criteria: ACMG Guidelines, 2015. Collection method: not provided. Allele origin: germline. Inheritance: Autosomal recessive inheritance. Affected: yes.

NM_017654.4(SAMD9):c.2071T>C (p.Trp691Arg)

Gene: SAMD9 (sterile alpha motif domain containing 9; minus strand). Cytogenetic location: 7q21.2.
Variant type: single nucleotide variant.
Coding change: c.2071T>C on transcript NM_017654.4 (MANE Select); coding-DNA position 2071, T replaced by C.
Protein change: p.Trp691Arg; replaces tryptophan 691 with arginine.
Molecular consequence: missense variant.
Genome position (GRCh38, 1-based): chr7:93,104,027, A>G on the plus strand (T>C on the coding strand, the complement: SAMD9 is on the minus strand). VCF-style: chr7-93104027-A-G. GRCh37 (hg19) VCF-style: chr7-92733340-A-G.
Other names: c.2071T>C, p.Trp691Arg (NM_001193307.2); short protein forms W691R.
Identifiers: ClinVar variation 1320287 (VCV001320287.13), dbSNP rs756922616, ClinGen allele CA4342896.